The following is an entry in ClinVar:

NM_000548.5(TSC2):c.1213G>T (p.Glu405Ter)

Gene: TSC2 (TSC complex subunit 2; plus strand). Cytogenetic location: 16p13.3.
Variant type: single nucleotide variant.
Coding change: c.1213G>T on transcript NM_000548.5 (MANE Select); coding-DNA position 1213, G replaced by T.
Protein change: p.Glu405Ter; replaces glutamic acid 405 with a stop codon.
Molecular consequence: nonsense. On other transcripts: 5 prime UTR variant (10), non-coding transcript variant (5).
Genome position (GRCh38, 1-based): chr16:2,061,964, G>T. VCF-style: chr16-2061964-G-T. GRCh37 (hg19) VCF-style: chr16-2111965-G-T.
Other names: c.1213G>T, p.Glu405Ter (NM_001077183.3, NM_001114382.3, NM_001363528.2 and 6 more transcripts); c.1102G>T, p.Glu368Ter (NM_001318827.2, NM_001406678.1, NM_001406670.1); c.1066G>T, p.Glu356Ter (NM_001318829.2, NM_001406676.1, NM_001406679.1 and 1 more transcripts); c.613G>T, p.Glu205Ter (NM_001318831.2, NM_001406680.1, NM_001406682.1 and 6 more transcripts); c.1246G>T, p.Glu416Ter (NM_001318832.2); c.1156G>T, p.Glu386Ter (NM_001406677.1); c.751G>T, p.Glu251Ter (NM_001406681.1); c.-132G>T (NM_001406689.1, NM_001406690.1, NM_001406691.1 and 4 more transcripts); and 4 more; short protein forms E356*, E251*, E401*, E405*, E205*, E386*, E416*, E368*.
Identifiers: ClinVar variation 2838404 (VCV002838404.4), dbSNP rs765622787, ClinGen allele CA394321034.
Genomic context (GRCh38, chr16:2,061,964, plus strand): 5'-CATGACCTGTTGACCACGGTGGAGGAGCTGTGTGACCAGAACGAGTTCCACGGGTCTCAG[G>T]AGAGATACTTTGAACTGGTGGAGAGATGTGCGGACCAGAGGCCTGTGAGACCCCCTCCTG-3'

ClinVar aggregate classification (germline): Pathogenic. Review status: criteria provided, multiple submitters, no conflicts (2 of 4 stars). 2 submissions from 2 submitters: Pathogenic (2). Last evaluated 2026-03-02.

Conditions:
Tuberous sclerosis 2 (TSC2). Identifiers: Orphanet 805, MedGen C1860707, MONDO:0013199, OMIM 613254.
Hereditary cancer-predisposing syndrome. Also called: Tumor predisposition; Neoplastic Syndromes, Hereditary; Hereditary Cancer Syndrome; Hereditary neoplastic syndrome. Identifiers: Orphanet 140162, MedGen C0027672, MeSH D009386, MONDO:0015356.

Submissions (2):

Ambry Genetics
Classification: Pathogenic for Hereditary cancer-predisposing syndrome. Last evaluated: 2026-03-02. Review status: criteria provided, single submitter. Criteria: Ambry Variant Classification Scheme 2023. Collection method: clinical testing. Allele origin: germline.
Comment: The p.E405* variant (also known as c.1213G>T), located in coding exon 11 of the TSC2 gene, results from a G to T substitution at nucleotide position 1213. This changes the amino acid from a glutamic acid to a stop codon within coding exon 11. This variant is considered to be rare based on population cohorts in the Genome Aggregation Database (gnomAD). This alteration is expected to result in loss of function by premature protein truncation or nonsense-mediated mRNA decay. As such, this alteration is interpreted as a disease-causing mutation.

Labcorp Genetics (formerly Invitae), Labcorp
Classification: Pathogenic for Tuberous sclerosis 2. Last evaluated: 2023-02-16. Review status: criteria provided, single submitter. Criteria: Invitae Variant Classification Sherloc (09022015). Collection method: clinical testing. Allele origin: germline.
Comment: This sequence change creates a premature translational stop signal (p.Glu405*) in the TSC2 gene. It is expected to result in an absent or disrupted protein product. Loss-of-function variants in TSC2 are known to be pathogenic (PMID: 10205261, 17304050). This variant is not present in population databases (gnomAD no frequency). This variant has not been reported in the literature in individuals affected with TSC2-related conditions. For these reasons, this variant has been classified as Pathogenic.

Literature cited by the submitters: PubMed 10205261 (cited by Labcorp Genetics (formerly Invitae), Labcorp); PubMed 17304050 (cited by Labcorp Genetics (formerly Invitae), Labcorp).